The following is an entry in ClinVar:

NM_002796.3(PSMB4):c.271_272delinsGT (p.Asn91Val)

Gene: PSMB4 (proteasome 20S subunit beta 4; plus strand). Cytogenetic location: 1q21.3.
Variant type: Indel.
Coding change: c.271_272delinsGT on transcript NM_002796.3 (MANE Select); coding-DNA positions 271 to 272, AA replaced by GT.
Protein change: p.Asn91Val; replaces asparagine 91 with valine.
Molecular consequence: missense variant.
Genome position (GRCh38, 1-based): chr1:151,400,111-151,400,112, AA replaced by GT. VCF-style: chr1-151400111-AA-GT. GRCh37 (hg19) VCF-style: chr1-151372587-AA-GT.
Other names: short protein forms N91V.
Identifiers: ClinVar variation 2838971 (VCV002838971.3), dbSNP rs2529156606, ClinGen allele CA2739275284.
Genomic context (GRCh38, chr1:151,400,111, plus strand): 5'-ATGCTGGGATCCTACGGCTCCTTGGCTCGTTTCCGCAACATCTCTCGCATTATGCGAGTC[AA>GT]CAACAGTACCATGCTGGGTGCCTCTGGCGACTACGCTGATTTCCAGTATTTGAAGCAAGT-3'
Protein context (NP_002787.2, residues 81-101): FRNISRIMRV[Asn91Val]NSTMLGASGD

ClinVar aggregate classification (germline): Uncertain significance (1 of 4 stars; one submission).

Submission:

Labcorp Genetics (formerly Invitae), Labcorp
Classification: Uncertain significance. Last evaluated: 2023-02-19. Review status: criteria provided, single submitter. Criteria: Invitae Variant Classification Sherloc (09022015). Collection method: clinical testing. Allele origin: germline.
Comment: In summary, the available evidence is currently insufficient to determine the role of this variant in disease. Therefore, it has been classified as a Variant of Uncertain Significance. An algorithm developed to predict the effect of missense changes on protein structure and function (PolyPhen-2) suggests that this variant is likely to be disruptive. This variant has not been reported in the literature in individuals affected with PSMB4-related conditions. Information on the frequency of this variant in the gnomAD database is not available, as this variant may be reported differently in the database. This sequence change replaces asparagine, which is neutral and polar, with valine, which is neutral and non-polar, at codon 91 of the PSMB4 protein (p.Asn91Val).